The following is an entry in ClinVar:

NM_024407.5(NDUFS7):c.229-31G>A

Gene: NDUFS7 (NADH:ubiquinone oxidoreductase core subunit S7; plus strand). Cytogenetic location: 19p13.3.
Variant type: single nucleotide variant.
Coding change: c.229-31G>A on transcript NM_024407.5 (MANE Select); 31 bases into the intron before coding-DNA position 229, G replaced by A.
Molecular consequence: intron variant.
Genome position (GRCh38, 1-based): chr19:1,390,840, G>A. VCF-style: chr19-1390840-G-A. GRCh37 (hg19) VCF-style: chr19-1390839-G-A.
Other names: c.229-31G>A (NM_001363602.2).
Identifiers: ClinVar variation 671666 (VCV000671666.2), dbSNP rs7256647, ClinGen allele CA9043302.
Genomic context (GRCh38, chr19:1,390,840, plus strand): 5'-AGTCGGGGGTTCTGGGTGCTCCACGTGGAGTCTCACGCTGGGCCACGCGGGGCTCCGGGG[G>A]TGGCGTCTGACCCGAGCCCGGCCTCCGCAGAGTTCTCTGTGGCCCATGACCTTCGGCCTG-3'

ClinVar aggregate classification (germline): Benign. Review status: criteria provided, multiple submitters, no conflicts (2 of 4 stars). 2 submissions from 2 submitters: Benign (2). Last evaluated 2018-06-19.

Allele frequency attached by ClinVar (database versions not stated): ExAC 0.10885; ESP Exome Variant Server 0.11001; gnomAD 0.12356 and 0.12462; TOPMed 0.14025; 1000 Genomes Project 0.19509; 1000 Genomes Project 30x 0.19582.
gnomAD v4.1: 90,932 of 1,600,536 alleles (5.7%); highest among the groups gnomAD compares: African/African-American, 29%; 7,421 homozygotes.

Submissions (2):

GeneDx
Classification: Benign. Last evaluated: 2018-06-19. Review status: criteria provided, single submitter. Criteria: GeneDx Variant Classification (06012015). Collection method: clinical testing. Allele origin: germline. Affected: yes.
Comment: This variant is considered likely benign or benign based on one or more of the following criteria: it is a conservative change, it occurs at a poorly conserved position in the protein, it is predicted to be benign by multiple in silico algorithms, and/or has population frequency not consistent with disease.

Breakthrough Genomics
Classification: Benign. Review status: criteria provided, single submitter. Criteria: ACMG Guidelines, 2015. Collection method: not provided. Allele origin: germline. Inheritance: Autosomal recessive inheritance. Affected: yes.